The following is an entry in ClinVar:

ClinVar aggregate classification (germline): Likely benign. Review status: criteria provided, multiple submitters, no conflicts (2 of 4 stars). 3 submissions from 3 submitters: Likely benign (3). Last evaluated 2025-09-13.

Conditions:
Cataract 18 (CATC2). Also called: CATARACT 18, AUTOSOMAL RECESSIVE. Identifiers: Orphanet 91492, Orphanet 98991, Orphanet 98992, Orphanet 98995, MedGen C1864908, MONDO:0012395, OMIM 610019.

Allele frequency attached by ClinVar (database versions not stated): 1000 Genomes Project 30x 0.00297; 1000 Genomes Project 0.00300; gnomAD exomes 0.00036 and 0.00067; ExAC 0.00072; ESP Exome Variant Server 0.00215; gnomAD 0.00216 and 0.00232; TOPMed 0.00269.
gnomAD v4.1: 874 of 1,614,184 alleles (0.054%); highest among the groups gnomAD compares: African/African-American, 0.7%; 5 homozygotes.

Submissions (3):

Labcorp Genetics (formerly Invitae), Labcorp
Classification: Likely benign for Cataract 18. Last evaluated: 2025-09-13. Review status: criteria provided, single submitter. Criteria: Invitae Variant Classification Sherloc (09022015). Collection method: clinical testing. Allele origin: germline.

Illumina Laboratory Services, Illumina
Classification: Likely benign for Cataract 18. Last evaluated: 2018-01-13. Review status: criteria provided, single submitter. Criteria: ICSL Variant Classification Criteria 13 December 2019. Collection method: clinical testing. Allele origin: germline.
Comment: This variant was observed in the ICSL laboratory as part of a predisposition screen in an ostensibly healthy population. It had not been previously curated by ICSL or reported in the Human Gene Mutation Database (HGMD: prior to June 1st, 2018), and was therefore a candidate for classification through an automated scoring system. Utilizing variant allele frequency, disease prevalence and penetrance estimates, and inheritance mode, an automated score was calculated to assess if this variant is too frequent to cause the disease. Based on the score and internal cut-off values, a variant classified as likely benign is not then subjected to further curation. The score for this variant resulted in a classification of likely benign for this disease.

Breakthrough Genomics
Classification: Likely benign. Review status: criteria provided, single submitter. Criteria: ACMG Guidelines, 2015. Collection method: not provided. Allele origin: germline. Inheritance: Autosomal recessive inheritance. Affected: yes.

NM_024513.4(FYCO1):c.3322A>G (p.Lys1108Glu)

Gene: FYCO1 (FYVE and coiled-coil domain autophagy adaptor 1; minus strand). Cytogenetic location: 3p21.31.
Variant type: single nucleotide variant.
Coding change: c.3322A>G on transcript NM_024513.4 (MANE Select); coding-DNA position 3322, A replaced by G.
Protein change: p.Lys1108Glu; replaces lysine 1108 with glutamic acid.
Molecular consequence: missense variant.
Genome position (GRCh38, 1-based): chr3:45,962,340, T>C on the plus strand (A>G on the coding strand, the complement: FYCO1 is on the minus strand). VCF-style: chr3-45962340-T-C. GRCh37 (hg19) VCF-style: chr3-46003832-T-C.
Other names: short protein forms K1108E.
Identifiers: ClinVar variation 345503 (VCV000345503.15), dbSNP rs73830668, ClinGen allele CA2352815.